The following is an entry in ClinVar:

ClinVar aggregate classification (germline): Conflicting classifications of pathogenicity. Review status: criteria provided, conflicting classifications (1 of 4 stars). 13 submissions from 12 submitters: Uncertain significance (4); Benign (1); Likely benign (7). 1 of the submissions does not count toward it. Last evaluated 2026-03-27.

Conditions:
Connective tissue disorder. Also called: Connective tissue disease. Identifiers: MedGen C0009782, MONDO:0003900.
MYH11-related disorder. Also called: MYH11-related condition.
Familial thoracic aortic aneurysm and aortic dissection (TAAD). Also called: Thoracic aortic aneurysms and dissections. Identifiers: Orphanet 91387, MedGen C4707243, MONDO:0019625.
Lissencephaly 4 (LIS4). Also called: Lissencephaly 4 (with microcephaly). Identifiers: Orphanet 1083, MedGen C3151461, MONDO:0013527, OMIM 614019.
Aortic aneurysm, familial thoracic 4 (AAT4). Also called: AORTIC ANEURYSM/AORTIC DISSECTION AND PATENT DUCTUS ARTERIOSUS. Identifiers: MedGen C1851504, MONDO:0007568, OMIM 132900.

Allele frequency attached by ClinVar (database versions not stated): ExAC 0.00036; gnomAD exomes 0.00046 and 0.00101; gnomAD 0.00051 and 0.00054; 1000 Genomes Project 0.00060; TOPMed 0.00060; 1000 Genomes Project 30x 0.00062; ESP Exome Variant Server 0.00062.
gnomAD v4.1: 1,566 of 1,614,200 alleles (0.097%); highest among the groups gnomAD compares: Non-Finnish European, 0.12%; 3 homozygotes.

Submissions (13):

Molecular Diagnostic Laboratory for Inherited Cardiovascular Disease, Montreal Heart Institute
Classification: Likely benign. Last evaluated: 2026-03-27. Review status: criteria provided, single submitter. Criteria: ACMG Guidelines, 2015. Collection method: clinical testing. Allele origin: germline. Affected: no.
Comment: BS1

Labcorp Genetics (formerly Invitae), Labcorp
Classification: Likely benign for Aortic aneurysm, familial thoracic 4. Last evaluated: 2026-01-24. Review status: criteria provided, single submitter. Criteria: Invitae Variant Classification Sherloc (09022015). Collection method: clinical testing. Allele origin: germline.

ARUP Laboratories, Molecular Genetics and Genomics, ARUP Laboratories
Classification: Uncertain significance. Last evaluated: 2025-05-14. Review status: criteria provided, single submitter. Criteria: ARUP Molecular Germline Variant Investigation Process 2024. Collection method: clinical testing. Allele origin: germline.
Comment: The MYH11 c.4240G>A p.Ala1414Thr variant (rs112467954), to our knowledge, is not reported in the medical literature but is reported in ClinVar (Variation ID: 201073). This variant is found in the general population with an overall allele frequency of 0.04% (125/282,870 alleles) in the Genome Aggregation Database. The Alanine at codon 1414 is moderately conserved, but computational analyses predict that this variant is uncertain (REVEL: 0.296). Due to limited information, the clinical significance of the MYH11 p.Ala1414Thr variant is uncertain at this time.

Blueprint Genetics
Classification: Likely benign. Last evaluated: 2024-10-29. Review status: criteria provided, single submitter. Criteria: ACMG Guidelines, 2015. Collection method: clinical testing. Allele origin: germline.

CeGaT Center for Human Genetics Tuebingen
Classification: Likely benign. Last evaluated: 2024-06-01. Review status: criteria provided, single submitter. Criteria: CeGaT Center For Human Genetics Tuebingen Variant Classification Criteria Version 2. Collection method: clinical testing. Allele origin: germline. Affected: yes. Observed: 3 variant alleles.
Comment: MYH11: BP4

CHEO Genetics Diagnostic Laboratory, Children's Hospital of Eastern Ontario
Classification: Likely benign for Familial thoracic aortic aneurysm and aortic dissection. Last evaluated: 2023-06-13. Review status: criteria provided, single submitter. Criteria: ACMG Guidelines, 2015. Collection method: clinical testing. Allele origin: germline.

Women's Health and Genetics/Laboratory Corporation of America, LabCorp
Classification: Benign. Last evaluated: 2022-05-09. Review status: criteria provided, single submitter. Criteria: LabCorp Variant Classification Summary - May 2015. Collection method: clinical testing. Allele origin: germline.
Comment: Variant summary: MYH11 c.4261G>A (p.Ala1421Thr) results in a non-conservative amino acid change located in the Myosin tail domain (IPR002928) of the encoded protein sequence. Three of five in-silico tools predict a benign effect of the variant on protein function. The variant allele was found at a frequency of 0.00044 in 282870 control chromosomes (gnomAD), predominantly at a frequency of 0.00074 within the Non-Finnish European subpopulation in the gnomAD database. The observed variant frequency within Non-Finnish European control individuals in the gnomAD database is approximately 592 fold of the estimated maximal expected allele frequency for a pathogenic variant in MYH11 causing Aortopathy phenotype (1.3e-06), strongly suggesting that the variant is a benign polymorphism found primarily in populations of Non-Finnish European origin. To our knowledge, no occurrence of c.4261G>A in individuals affected with Aortopathy and no experimental evidence demonstrating its impact on protein function have been reported. Seven ClinVar submitters have assessed the variant since 2014: three classified the variant as of uncertain significance and four as likely benign. Based on the evidence outlined above, the variant was classified as benign.

GeneDx
Classification: Uncertain significance. Last evaluated: 2018-10-17. Review status: criteria provided, single submitter. Criteria: GeneDx Variant Classification (06012015). Collection method: clinical testing. Allele origin: germline. Affected: yes.
Comment: Although the A1414T variant of uncertain significance in the MYH11 gene has not been published as a pathogenic variant or as a benign variant to our knowledge, this variant has been identified, both independently and/or in conjunction with additional cardiogenetic variants, in other unrelated individuals referred for genetic testing at GeneDx. So far, segregation data is limited or absent for these individuals due to the lack of clinical information provided and/or insufficient participation by informative family members. The A1414T variant is a non-conservative amino acid substitution, which is likely to impact secondary protein structure as these residues differ in polarity, charge, size and/or other properties. However, in-silico analyses, including protein predictors and evolutionary conservation, support that this variant does not alter protein structure/function. Finally, this variant is observed in 94/126710 (0.07%) European (non-Finnish) alleles and 20/34420 (0.06%) Latino alleles in large population cohorts (Lek et al., 2016).

Ambry Genetics
Classification: Likely benign for Familial thoracic aortic aneurysm and aortic dissection. Last evaluated: 2018-05-14. Review status: criteria provided, single submitter. Criteria: Ambry Variant Classification Scheme 2023. Collection method: clinical testing. Allele origin: germline.

Illumina Laboratory Services, Illumina
Classification: Uncertain significance for Aortic aneurysm, familial thoracic 4. Last evaluated: 2018-01-13. Review status: criteria provided, single submitter. Criteria: ICSL Variant Classification Criteria 13 December 2019. Collection method: clinical testing. Allele origin: germline.

Illumina Laboratory Services, Illumina
Classification: Uncertain significance for Lissencephaly 4. Last evaluated: 2018-01-12. Review status: criteria provided, single submitter. Criteria: ICSL Variant Classification Criteria 13 December 2019. Collection method: clinical testing. Allele origin: germline.

Center for Human Genetics, Inc
Classification: Likely benign for Connective tissue disorder. Last evaluated: 2016-11-01. Review status: criteria provided, single submitter. Criteria: ACMG Guidelines, 2015. Collection method: clinical testing. Allele origin: germline. Affected: yes.

PreventionGenetics, part of Exact Sciences
Classification: Likely benign for MYH11-related condition. Last evaluated: 2022-11-02. Review status: no assertion criteria provided. Collection method: clinical testing. Allele origin: germline. Not counted in ClinVar's aggregate classification.
Comment: This variant is classified as likely benign based on ACMG/AMP sequence variant interpretation guidelines (Richards et al. 2015 PMID: 25741868, with internal and published modifications).

NM_002474.3(MYH11):c.4240G>A (p.Ala1414Thr)

Genes: MYH11 (myosin heavy chain 11; minus strand), NDE1 (nudE neurodevelopment protein 1; plus strand). Cytogenetic location: 16p13.11.
Variant type: single nucleotide variant.
Coding change: c.4240G>A on transcript NM_002474.3 (MANE Select); coding-DNA position 4240, G replaced by A.
Protein change: p.Ala1414Thr; replaces alanine 1414 with threonine.
Molecular consequence: missense variant. On other transcripts: 3 prime UTR variant (2).
Genome position (GRCh38, 1-based): chr16:15,724,286, C>T on the plus strand (G>A on the coding strand, the complement: MYH11 is on the minus strand). VCF-style: chr16-15724286-C-T. GRCh37 (hg19) VCF-style: chr16-15818143-C-T.
Other names: p.A1414T:GCG>ACG; c.4261G>A, p.Ala1421Thr (NM_001040113.2, NM_001040114.2); c.4240G>A, p.Ala1414Thr (NM_022844.3); c.*35C>T (NM_001143979.2, NM_017668.3); short protein forms A1414T, A1421T.
Identifiers: ClinVar variation 201073 (VCV000201073.61), dbSNP rs112467954, ClinGen allele CA306561.